The following is an entry in ClinVar:

NM_152564.5(VPS13B):c.10030A>G (p.Lys3344Glu)

Gene: VPS13B (vacuolar protein sorting 13 homolog B; plus strand). Cytogenetic location: 8q22.2.
Variant type: single nucleotide variant.
Coding change: c.10030A>G on transcript NM_152564.5 (MANE Select); coding-DNA position 10030, A replaced by G.
Protein change: p.Lys3344Glu; replaces lysine 3344 with glutamic acid.
Molecular consequence: missense variant.
Genome position (GRCh38, 1-based): chr8:99,848,863, A>G. VCF-style: chr8-99848863-A-G. GRCh37 (hg19) VCF-style: chr8-100861091-A-G.
Other names: c.10105A>G, p.Lys3369Glu (NM_017890.5); short protein forms K3344E, K3369E.
Identifiers: ClinVar variation 2199471 (VCV002199471.2), dbSNP rs764622697, ClinGen allele CA4824857.

ClinVar aggregate classification (germline): Uncertain significance. Review status: criteria provided, multiple submitters, no conflicts (2 of 4 stars). 2 submissions from 2 submitters: Uncertain significance (2). Last evaluated 2026-06-24.

Conditions:
VPS13B-related disorder. Also called: VPS13B-related condition.
Cohen syndrome (COH1). Also called: PEPPER SYNDROME; Cutis verticis gyrata, retinitis pigmentosa, and sensorineural deafness. Identifiers: Orphanet 193, MedGen C0265223, MONDO:0008999, OMIM 216550.

Allele frequency attached by ClinVar (database versions not stated): gnomAD exomes below 0.00001; ExAC 0.00001; gnomAD 0.00001; TOPMed 0.00001.
gnomAD v4.1: 5 of 1,614,084 alleles (0.00031%); highest among the groups gnomAD compares: Admixed American, 0.0033%; no homozygotes.

Submissions (2):

PreventionGenetics, part of Exact Sciences
Classification: Uncertain significance for VPS13B-related condition. Last evaluated: 2026-06-24. Review status: criteria provided, single submitter. Criteria: ACMG Guidelines, 2015. Collection method: clinical testing. Allele origin: germline.
Comment: The VPS13B c.10030A>G variant is predicted to result in the amino acid substitution p.Lys3344Glu. To our knowledge, this variant has not been reported in the literature. This variant is reported in 0.0062% of alleles in individuals of African descent in gnomAD. At this time, the clinical significance of this variant is uncertain due to the absence of conclusive functional and genetic evidence.

Labcorp Genetics (formerly Invitae), Labcorp
Classification: Uncertain significance for Cohen syndrome. Last evaluated: 2022-03-28. Review status: criteria provided, single submitter. Criteria: Invitae Variant Classification Sherloc (09022015). Collection method: clinical testing. Allele origin: germline.
Comment: This sequence change replaces lysine, which is basic and polar, with glutamic acid, which is acidic and polar, at codon 3369 of the VPS13B protein (p.Lys3369Glu). This variant is present in population databases (rs764622697, gnomAD 0.007%). This variant has not been reported in the literature in individuals affected with VPS13B-related conditions. Algorithms developed to predict the effect of missense changes on protein structure and function are either unavailable or do not agree on the potential impact of this missense change (SIFT: "Not Available"; PolyPhen-2: "Benign"; Align-GVGD: "Not Available"). In summary, the available evidence is currently insufficient to determine the role of this variant in disease. Therefore, it has been classified as a Variant of Uncertain Significance.